The following is an entry in ClinVar:

ClinVar aggregate classification (germline): Uncertain significance (1 of 4 stars; one submission).

Conditions:
Leukodystrophy, hypomyelinating, 10. Also called: PYCR2-related microcephaly-progressive leukoencephalopathy. Identifiers: Orphanet 481152, MedGen C4225332, MONDO:0014632, OMIM 616420.

Submission:

3billion
Classification: Uncertain significance for Leukodystrophy, hypomyelinating, 10. Last evaluated: 2025-02-27. Review status: criteria provided, single submitter. Criteria: ACMG Guidelines, 2015. Collection method: clinical testing. Allele origin: germline. Affected: yes.
Comment: The variant is observed at an extremely low frequency in the gnomAD v4.1.0 dataset (total allele frequency: <0.001%). Predicted Consequence/Location: Missense variant In silico tool predictions suggest damaging effect of the variant on gene or gene product [REVEL: 0.81 (>=0.6, sensitivity 0.68 and specificity 0.92)]. The same nucleotide change resulting in the same amino acid change has been previously reported to be associated with PYCR2-related disorder (PMID: 27130255). Therefore, this variant is classified as VUS according to the recommendation of ACMG/AMP guideline.

NM_013328.4(PYCR2):c.458T>C (p.Met153Thr)

Gene: PYCR2 (pyrroline-5-carboxylate reductase 2; minus strand). Cytogenetic location: 1q42.12.
Variant type: single nucleotide variant.
Coding change: c.458T>C on transcript NM_013328.4 (MANE Select); coding-DNA position 458, T replaced by C.
Protein change: p.Met153Thr; replaces methionine 153 with threonine.
Molecular consequence: missense variant. On other transcripts: intron variant (1).
Genome position (GRCh38, 1-based): chr1:225,921,940, A>G on the plus strand (T>C on the coding strand, the complement: PYCR2 is on the minus strand). VCF-style: chr1-225921940-A-G. GRCh37 (hg19) VCF-style: chr1-226109640-A-G.
Other names: c.318+264T>C (NM_001271681.2); short protein forms M153T.
Identifiers: ClinVar variation 4293103 (VCV004293103.1).